The following is an entry in ClinVar:

NM_002900.3(RBP3):c.3656C>A (p.Ala1219Glu)

Gene: RBP3 (retinol binding protein 3; plus strand). Cytogenetic location: 10q11.22.
Variant type: single nucleotide variant.
Coding change: c.3656C>A on transcript NM_002900.3 (MANE Select); coding-DNA position 3656, C replaced by A.
Protein change: p.Ala1219Glu; replaces alanine 1219 with glutamic acid.
Molecular consequence: missense variant.
Genome position (GRCh38, 1-based): chr10:47,357,369, C>A. VCF-style: chr10-47357369-C-A. GRCh37 (hg19) VCF-style: chr10-48381993-G-T.
Other names: short protein forms A1219E.
Identifiers: ClinVar variation 1378391 (VCV001378391.8), dbSNP rs782448127, ClinGen allele CA5486992.

ClinVar aggregate classification (germline): Uncertain significance (1 of 4 stars; one submission).

Allele frequency attached by ClinVar (database versions not stated): gnomAD exomes below 0.00001 and 0.00001; ExAC 0.00001; gnomAD 0.00001.

Submission:

Labcorp Genetics (formerly Invitae), Labcorp
Classification: Uncertain significance. Last evaluated: 2023-10-03. Review status: criteria provided, single submitter. Criteria: Invitae Variant Classification Sherloc (09022015). Collection method: clinical testing. Allele origin: germline.
Comment: This sequence change replaces alanine, which is neutral and non-polar, with glutamic acid, which is acidic and polar, at codon 1219 of the RBP3 protein (p.Ala1219Glu). This variant is present in population databases (rs782448127, gnomAD 0.007%). This variant has not been reported in the literature in individuals affected with RBP3-related conditions. ClinVar contains an entry for this variant (Variation ID: 1378391). An algorithm developed to predict the effect of missense changes on protein structure and function (PolyPhen-2) suggests that this variant is likely to be disruptive. In summary, the available evidence is currently insufficient to determine the role of this variant in disease. Therefore, it has been classified as a Variant of Uncertain Significance.